The following is an entry in ClinVar:

NM_001349253.2(SCN11A):c.4921A>C (p.Ile1641Leu)

Gene: SCN11A (sodium voltage-gated channel alpha subunit 11; minus strand). Cytogenetic location: 3p22.2.
Variant type: single nucleotide variant.
Coding change: c.4921A>C on transcript NM_001349253.2 (MANE Select); coding-DNA position 4921, A replaced by C.
Protein change: p.Ile1641Leu; replaces isoleucine 1641 with leucine.
Molecular consequence: missense variant.
Genome position (GRCh38, 1-based): chr3:38,847,149, T>G on the plus strand (A>C on the coding strand, the complement: SCN11A is on the minus strand). VCF-style: chr3-38847149-T-G. GRCh37 (hg19) VCF-style: chr3-38888640-T-G.
Other names: c.4921A>C, p.Ile1641Leu (NM_014139.3); short protein forms I1641L.
Identifiers: ClinVar variation 1744130 (VCV001744130.2), dbSNP rs2470965167, ClinGen allele CA352162059.

ClinVar aggregate classification (germline): Uncertain significance (1 of 4 stars; one submission).

Conditions:
Inborn genetic diseases. Identifiers: MedGen C0950123, MeSH D030342.

gnomAD v4.1: 3 of 1,614,216 alleles (0.00019%); highest among the groups gnomAD compares: Non-Finnish European, 0.00025%; no homozygotes.

Submission:

Ambry Genetics
Classification: Uncertain significance for Inborn genetic diseases. Last evaluated: 2020-04-16. Review status: criteria provided, single submitter. Criteria: Ambry Variant Classification Scheme 2023. Collection method: clinical testing. Allele origin: germline.
Comment: The p.I1641L variant (also known as c.4921A>C), located in coding exon 26 of the SCN11A gene, results from an A to C substitution at nucleotide position 4921. The isoleucine at codon 1641 is replaced by leucine, an amino acid with highly similar properties. This amino acid position is highly conserved in available vertebrate species. In addition, the in silico prediction for this alteration is inconclusive. Since supporting evidence is limited at this time, the clinical significance of this alteration remains unclear.